The following is an entry in ClinVar:

ClinVar aggregate classification (germline): Uncertain significance. Review status: criteria provided, multiple submitters, no conflicts (2 of 4 stars). 2 submissions from 2 submitters: Uncertain significance (2). Last evaluated 2022-06-13.

Allele frequency attached by ClinVar (database versions not stated): TOPMed below 0.00001; gnomAD 0.00001.
gnomAD v4.1: 10 of 1,210,534 alleles (0.00083%); highest among the groups gnomAD compares: Admixed American, 0.0022%; no homozygotes.

Submissions (2):

Labcorp Genetics (formerly Invitae), Labcorp
Classification: Uncertain significance. Last evaluated: 2022-06-13. Review status: criteria provided, single submitter. Criteria: Invitae Variant Classification Sherloc (09022015). Collection method: clinical testing. Allele origin: germline.
Comment: ClinVar contains an entry for this variant (Variation ID: 436070). This variant has not been reported in the literature in individuals affected with NSDHL-related conditions. This variant is present in population databases (rs782181497, gnomAD 0.006%), including at least one homozygous and/or hemizygous individual. Algorithms developed to predict the effect of missense changes on protein structure and function (SIFT, PolyPhen-2, Align-GVGD) all suggest that this variant is likely to be tolerated. In summary, the available evidence is currently insufficient to determine the role of this variant in disease. Therefore, it has been classified as a Variant of Uncertain Significance. This sequence change replaces tyrosine, which is neutral and polar, with histidine, which is basic and polar, at codon 302 of the NSDHL protein (p.Tyr302His).

Genetic Services Laboratory, University of Chicago
Classification: Uncertain significance. Last evaluated: 2016-04-25. Review status: criteria provided, single submitter. Criteria: ACMG Guidelines, 2015. Collection method: clinical testing. Allele origin: germline. Affected: no.

NM_015922.3(NSDHL):c.904T>C (p.Tyr302His)

Gene: NSDHL (NAD(P) dependent 3-beta-hydroxysteroid dehydrogenase NSDHL; plus strand). Cytogenetic location: Xq28.
Variant type: single nucleotide variant.
Coding change: c.904T>C on transcript NM_015922.3 (MANE Select); coding-DNA position 904, T replaced by C.
Protein change: p.Tyr302His; replaces tyrosine 302 with histidine.
Molecular consequence: missense variant.
Genome position (GRCh38, 1-based): chrX:152,868,898, T>C. VCF-style: chrX-152868898-T-C. GRCh37 (hg19) VCF-style: chrX-152037442-T-C.
Other names: c.904T>C, p.Tyr302His (NM_001129765.2); short protein forms Y302H.
Identifiers: ClinVar variation 436070 (VCV000436070.11), dbSNP rs782181497, ClinGen allele CA10544872.
Genomic context (GRCh38, chrX:152,868,898, plus strand): 5'-ATCCTGACAGGCCTCAATTATGAGGCCCCCAAGTACCACATCCCCTACTGGGTGGCCTAC[T>C]ACCTGGCCCTCCTGCTATCCCTGCTGGTGATGGTGATCAGTCCTGTCATCCAGCTGCAGC-3'
Protein context (NP_057006.1, residues 292-312): KYHIPYWVAY[Tyr302His]LALLLSLLVM